The following is an entry in ClinVar:

NM_032776.3(JMJD1C):c.1244A>T (p.Lys415Ile)

Gene: JMJD1C (jumonji domain containing 1C; minus strand). Cytogenetic location: 10q21.3.
Variant type: single nucleotide variant.
Coding change: c.1244A>T on transcript NM_032776.3 (MANE Select); coding-DNA position 1244, A replaced by T.
Protein change: p.Lys415Ile; replaces lysine 415 with isoleucine.
Molecular consequence: missense variant. On other transcripts: non-coding transcript variant (1).
Genome position (GRCh38, 1-based): chr10:63,214,923, T>A on the plus strand (A>T on the coding strand, the complement: JMJD1C is on the minus strand). VCF-style: chr10-63214923-T-A. GRCh37 (hg19) VCF-style: chr10-64974683-T-A.
Other names: c.698A>T, p.Lys233Ile (NM_001282948.2, NM_001318154.2); c.380A>T, p.Lys127Ile (NM_001318153.2); c.1130A>T, p.Lys377Ile (NM_001322252.2); c.587A>T, p.Lys196Ile (NM_001322254.2, NM_001322258.2); short protein forms K415I, K127I, K196I, K233I, K377I.
Identifiers: ClinVar variation 3640463 (VCV003640463.2).

ClinVar aggregate classification (germline): Uncertain significance (1 of 4 stars; one submission).

Conditions:
Early Myoclonic Encephalopathy. Identifiers: MedGen C0270855.

gnomAD v4.1: 1 of 1,609,110 alleles (0.000062%); highest among the groups gnomAD compares: African/African-American, 0.0013%; no homozygotes.

Submission:

Labcorp Genetics (formerly Invitae), Labcorp
Classification: Uncertain significance for Early Myoclonic Encephalopathy. Last evaluated: 2024-02-13. Review status: criteria provided, single submitter. Criteria: Invitae Variant Classification Sherloc (09022015). Collection method: clinical testing. Allele origin: germline.
Comment: This sequence change replaces lysine, which is basic and polar, with isoleucine, which is neutral and non-polar, at codon 415 of the JMJD1C protein (p.Lys415Ile). This variant is not present in population databases (gnomAD no frequency). This variant has not been reported in the literature in individuals affected with JMJD1C-related conditions. Advanced modeling of protein sequence and biophysical properties (such as structural, functional, and spatial information, amino acid conservation, physicochemical variation, residue mobility, and thermodynamic stability) performed at Invitae indicates that this missense variant is not expected to disrupt JMJD1C protein function with a negative predictive value of 80%. In summary, the available evidence is currently insufficient to determine the role of this variant in disease. Therefore, it has been classified as a Variant of Uncertain Significance.